The following is an entry in ClinVar:

NM_000257.4(MYH7):c.5592_5618del (p.Gln1865_Leu1873del)

Gene: MYH7 (myosin heavy chain 7; minus strand). Cytogenetic location: 14q11.2.
Variant type: Deletion.
Coding change: c.5592_5618del on transcript NM_000257.4 (MANE Select); coding-DNA positions 5592 to 5618, 27 bases deleted (GCAGGACCTGGTAGACAAGCTGCAGCT).
Protein change: p.Gln1865_Leu1873del.
Molecular consequence: inframe deletion.
Genome position (GRCh38, 1-based): chr14:23,414,044-23,414,070, AGCTGCAGCTTGTCTACCAGGTCCTGC deleted on the plus strand (GCAGGACCTGGTAGACAAGCTGCAGCT on the coding strand, the reverse complement: MYH7 is on the minus strand); deleting any 27 consecutive bases within chr14:23,414,044-23,414,073 gives the same sequence; the c. name uses the placement nearest the transcript's 3' end. VCF-style (leftmost placement, unchanged base first): chr14-23414043-TAGCTGCAGCTTGTCTACCAGGTCCTGC-T. GRCh37 (hg19) VCF-style: chr14-23883252-TAGCTGCAGCTTGTCTACCAGGTCCTGC-T.
Identifiers: ClinVar variation 1500843 (VCV001500843.8), dbSNP rs2138635901, ClinGen allele CA2573149765.
Genomic context (GRCh38, chr14:23,414,043, plus strand): 5'-CTAGTCCCCAGCAGGGTCACTCACCGCCTCCTCGGCCTGGCGCTTGTAGGCCTTGACCTT[TAGCTGCAGCTTGTCTACCAGGTCCTGC>T]AGCCGCAGCAGGTTTTTCCTGTCCTCCTCCGTCTGGGGGCCAGAGGGTAGGCAGGGGGTG-3'

ClinVar aggregate classification (germline): Uncertain significance (1 of 4 stars; one submission).

Conditions:
Hypertrophic cardiomyopathy. Also called: HYPERTROPHIC MYOCARDIOPATHY. Identifiers: Orphanet 217569, MedGen C0007194, MeSH D002312, MONDO:0005045, HP:0001639.

Submission:

Labcorp Genetics (formerly Invitae), Labcorp
Classification: Uncertain significance for Hypertrophic cardiomyopathy. Last evaluated: 2022-07-06. Review status: criteria provided, single submitter. Criteria: Invitae Variant Classification Sherloc (09022015). Collection method: clinical testing. Allele origin: germline.
Comment: This variant, c.5592_5618del, results in the deletion of 9 amino acid(s) of the MYH7 protein (p.Gln1865_Leu1873del), but otherwise preserves the integrity of the reading frame. In summary, the available evidence is currently insufficient to determine the role of this variant in disease. Therefore, it has been classified as a Variant of Uncertain Significance. Experimental studies and prediction algorithms are not available or were not evaluated, and the functional significance of this variant is currently unknown. ClinVar contains an entry for this variant (Variation ID: 1500843). This variant has not been reported in the literature in individuals affected with MYH7-related conditions. This variant is not present in population databases (gnomAD no frequency).